The following is an entry in ClinVar:

ClinVar aggregate classification (germline): Uncertain significance. Review status: criteria provided, multiple submitters, no conflicts (2 of 4 stars). 2 submissions from 2 submitters: Uncertain significance (2). Last evaluated 2025-12-15.

Conditions:
Charcot-Marie-Tooth disease axonal type 2U. Also called: CHARCOT-MARIE-TOOTH NEUROPATHY, TYPE 2U; CHARCOT-MARIE-TOOTH DISEASE, AXONAL, AUTOSOMAL DOMINANT, TYPE 2U. Identifiers: Orphanet 397735, MedGen C4084821, MONDO:0014566, OMIM 616280.
Severe early-onset pulmonary alveolar proteinosis due to MARS deficiency. Also called: PULMONARY ALVEOLAR PROTEINOSIS, REUNION ISLAND; Interstitial lung and liver disease. Identifiers: Orphanet 440427, MedGen C4225400, MONDO:0014206, OMIM 615486.

Allele frequency attached by ClinVar (database versions not stated): gnomAD 0.00001; gnomAD exomes 0.00001; TOPMed 0.00003.
gnomAD v4.1: 14 of 1,613,958 alleles (0.00087%); highest among the groups gnomAD compares: Non-Finnish European, 0.0012%; no homozygotes.

Submissions (2):

Ambry Genetics
Classification: Uncertain significance. Last evaluated: 2025-12-15. Review status: criteria provided, single submitter. Criteria: Ambry Variant Classification Scheme 2023. Collection method: clinical testing. Allele origin: germline.

Labcorp Genetics (formerly Invitae), Labcorp
Classification: Uncertain significance for Charcot-Marie-Tooth disease axonal type 2U; Severe early-onset pulmonary alveolar proteinosis due to MARS deficiency. Last evaluated: 2025-01-20. Review status: criteria provided, single submitter. Criteria: Invitae Variant Classification Sherloc (09022015). Collection method: clinical testing. Allele origin: germline.
Comment: This sequence change replaces methionine, which is neutral and non-polar, with threonine, which is neutral and polar, at codon 659 of the MARS protein (p.Met659Thr). This variant is not present in population databases (gnomAD no frequency). This variant has not been reported in the literature in individuals affected with MARS-related conditions. ClinVar contains an entry for this variant (Variation ID: 1681765). An algorithm developed to predict the effect of missense changes on protein structure and function (PolyPhen-2) suggests that this variant is likely to be tolerated. In summary, the available evidence is currently insufficient to determine the role of this variant in disease. Therefore, it has been classified as a Variant of Uncertain Significance.

NM_004990.4(MARS1):c.1976T>C (p.Met659Thr)

Gene: MARS1 (methionyl-tRNA synthetase 1; plus strand). Cytogenetic location: 12q13.3.
Variant type: single nucleotide variant.
Coding change: c.1976T>C on transcript NM_004990.4 (MANE Select); coding-DNA position 1976, T replaced by C.
Protein change: p.Met659Thr; replaces methionine 659 with threonine.
Molecular consequence: missense variant.
Genome position (GRCh38, 1-based): chr12:57,514,728, T>C. VCF-style: chr12-57514728-T-C. GRCh37 (hg19) VCF-style: chr12-57908511-T-C.
Other names: short protein forms M659T.
Identifiers: ClinVar variation 1681765 (VCV001681765.9), dbSNP rs1156891377, ClinGen allele CA385464321.
Genomic context (GRCh38, chr12:57,514,728, plus strand): 5'-GATAATAACTTCCCCTCTTTTTTCCACTTCTGCTTTCCTACTCCCAACCAAGAGCTGGGA[T>C]GTTTGTGTCTAAGTTCTTTGGGGGCTATGTGCCTGAGATGGTGCTCACCCCTGATGATCA-3'
Protein context (NP_004981.2, residues 649-669): NLGNFINRAG[Met659Thr]FVSKFFGGYV